The following is an entry in ClinVar:

ClinVar aggregate classification (germline): Uncertain significance (1 of 4 stars; one submission).

Submission:

Labcorp Genetics (formerly Invitae), Labcorp
Classification: Uncertain significance. Last evaluated: 2025-07-09. Review status: criteria provided, single submitter. Criteria: Invitae Variant Classification Sherloc (09022015). Collection method: clinical testing. Allele origin: germline.
Comment: This sequence change replaces tyrosine, which is neutral and polar, with cysteine, which is neutral and slightly polar, at codon 390 of the C1S protein (p.Tyr390Cys). This variant is not present in population databases (gnomAD no frequency). This variant has not been reported in the literature in individuals affected with C1S-related conditions. Invitae Evidence Modeling of protein sequence and biophysical properties (such as structural, functional, and spatial information, amino acid conservation, physicochemical variation, residue mobility, and thermodynamic stability) indicates that this missense variant is expected to disrupt C1S protein function with a positive predictive value of 80%. In summary, the available evidence is currently insufficient to determine the role of this variant in disease. Therefore, it has been classified as a Variant of Uncertain Significance.

NM_001734.5(C1S):c.1169A>G (p.Tyr390Cys)

Gene: C1S (complement C1s; plus strand). Cytogenetic location: 12p13.31.
Variant type: single nucleotide variant.
Coding change: c.1169A>G on transcript NM_001734.5 (MANE Select); coding-DNA position 1169, A replaced by G.
Protein change: p.Tyr390Cys; replaces tyrosine 390 with cysteine.
Molecular consequence: missense variant.
Genome position (GRCh38, 1-based): chr12:7,067,745, A>G. VCF-style: chr12-7067745-A-G. GRCh37 (hg19) VCF-style: chr12-7175049-A-G.
Other names: c.668A>G, p.Tyr223Cys (NM_001346850.2); c.1169A>G, p.Tyr390Cys (NM_201442.4); short protein forms Y223C, Y390C.
Identifiers: ClinVar variation 4743997 (VCV004743997.1).